The following is an entry in ClinVar:

ClinVar aggregate classification (germline): Uncertain significance (1 of 4 stars; one submission).

Submission:

Labcorp Genetics (formerly Invitae), Labcorp
Classification: Uncertain significance. Last evaluated: 2023-06-23. Review status: criteria provided, single submitter. Criteria: Invitae Variant Classification Sherloc (09022015). Collection method: clinical testing. Allele origin: germline.
Comment: In summary, the available evidence is currently insufficient to determine the role of this variant in disease. Therefore, it has been classified as a Variant of Uncertain Significance. Experimental studies and prediction algorithms are not available or were not evaluated, and the functional significance of this variant is currently unknown. This variant has not been reported in the literature in individuals affected with GRIN2D-related conditions. The frequency data for this variant in the population databases is considered unreliable, as metrics indicate insufficient coverage at this position in the gnomAD database. This variant, c.3100_3114del, results in the deletion of 5 amino acid(s) of the GRIN2D protein (p.Pro1034_Ala1038del), but otherwise preserves the integrity of the reading frame.

NM_000836.4(GRIN2D):c.3100_3114del (p.Pro1034_Ala1038del)

Gene: GRIN2D (glutamate ionotropic receptor NMDA type subunit 2D; plus strand). Cytogenetic location: 19q13.33.
Variant type: Deletion.
Coding change: c.3100_3114del on transcript NM_000836.4 (MANE Select); coding-DNA positions 3100 to 3114, 15 bases deleted (CCCGCCGCCGCGGCC).
Protein change: p.Pro1034_Ala1038del.
Molecular consequence: inframe deletion.
Genome position (GRCh38, 1-based): chr19:48,443,026-48,443,040, CCCGCCGCCGCGGCC deleted; deleting any 15 consecutive bases within chr19:48,443,024-48,443,040 gives the same sequence; the c. name uses the placement nearest the transcript's 3' end. VCF-style (leftmost placement, unchanged base first): chr19-48443023-CCCCCCGCCGCCGCGG-C. GRCh37 (hg19) VCF-style: chr19-48946280-CCCCCCGCCGCCGCGG-C.
Identifiers: ClinVar variation 2725462 (VCV002725462.3), dbSNP rs2513692465, ClinGen allele CA2586190602.